The following is an entry in ClinVar:

ClinVar aggregate classification (germline): Uncertain significance (1 of 4 stars; one submission).

gnomAD v4.1: 2 of 1,572,462 alleles (0.00013%); highest among the groups gnomAD compares: Non-Finnish European, 0.00017%; no homozygotes.

Submission:

Dasa
Classification: Uncertain significance. Last evaluated: 2026-01-29. Review status: criteria provided, single submitter. Criteria: DASA Assertion Criteria. Collection method: clinical testing. Allele origin: germline.
Comment: NM_001301043.2(CADM1):c.122C>T (p.Thr41Ile) is a missense variant that results in the substitution of threonine with isoleucine. This variant is rare in population databases. The currently available literature and clinical evidence are not sufficient to establish a definitive association between this variant and the reported condition. Therefore, this variant is classified as a variant of uncertain significance.

NM_001301043.2(CADM1):c.122C>T (p.Thr41Ile)

Gene: CADM1 (cell adhesion molecule 1; minus strand). Cytogenetic location: 11q23.3.
Variant type: single nucleotide variant.
Coding change: c.122C>T on transcript NM_001301043.2 (MANE Select); coding-DNA position 122, C replaced by T.
Protein change: p.Thr41Ile; replaces threonine 41 with isoleucine.
Molecular consequence: missense variant.
Genome position (GRCh38, 1-based): chr11:115,504,273, G>A on the plus strand (C>T on the coding strand, the complement: CADM1 is on the minus strand). VCF-style: chr11-115504273-G-A. GRCh37 (hg19) VCF-style: chr11-115374991-G-A.
Other names: c.122C>T, p.Thr41Ile (NM_001098517.2, NM_001301044.2, NM_001301045.2 and 1 more transcripts); short protein forms T41I.
Identifiers: ClinVar variation 4856885 (VCV004856885.2).
Genomic context (GRCh38, chr11:115,504,273, plus strand): 5'-AAGGCTACTGGGGTGCCTTCGGAGATTTAGGGGCCAACCGGTCGGTGCCCACACCTACCT[G>A]TGGGGATCAGTGCCGCGGCGGAGAAGAGCAACAGCAGAAGCCGGAGCCGGAGCCCGGGAG-3'
Protein context (NP_001287972.1, residues 31-51): LLFSAAALIP[Thr41Ile]GDGQNLFTKD